The following is an entry in ClinVar:

ClinVar aggregate classification (germline): Conflicting classifications of pathogenicity. Review status: criteria provided, conflicting classifications (1 of 4 stars). 3 submissions from 3 submitters: Uncertain significance (2); Likely benign (1). Last evaluated 2026-06-22.

Conditions:
Hereditary cancer-predisposing syndrome. Also called: Neoplastic Syndromes, Hereditary; Hereditary neoplastic syndrome; Hereditary Cancer Syndrome; Tumor predisposition. Identifiers: Orphanet 140162, MedGen C0027672, MeSH D009386, MONDO:0015356.
Hereditary diffuse gastric adenocarcinoma (HDGC). Also called: DIFFUSE GASTRIC AND LOBULAR BREAST CANCER SYNDROME. Identifiers: Orphanet 26106, MedGen C1708349, MONDO:0007648, OMIM 137215.
Familial cancer of breast. Also called: hereditary breast carcinoma; Hereditary breast cancer; BREAST CANCER, FAMILIAL. Identifiers: Orphanet 227535, MedGen C0346153, MONDO:0016419, OMIM 114480. Disease mechanism: loss of function.

Allele frequency attached by ClinVar (database versions not stated): gnomAD exomes below 0.00001.
gnomAD v4.1: 1 of 1,614,086 alleles (0.000062%); highest among the groups gnomAD compares: Admixed American, 0.0017%; no homozygotes.

Submissions (3):

Ambry Genetics
Classification: Likely benign for Hereditary cancer-predisposing syndrome. Last evaluated: 2026-06-22. Review status: criteria provided, single submitter. Criteria: Ambry Variant Classification Scheme 2023. Collection method: clinical testing. Allele origin: germline.

Labcorp Genetics (formerly Invitae), Labcorp
Classification: Uncertain significance for Hereditary diffuse gastric adenocarcinoma. Last evaluated: 2024-02-23. Review status: criteria provided, single submitter. Criteria: Invitae Variant Classification Sherloc (09022015). Collection method: clinical testing. Allele origin: germline.
Comment: This sequence change replaces lysine, which is basic and polar, with arginine, which is basic and polar, at codon 664 of the CDH1 protein (p.Lys664Arg). This variant is present in population databases (no rsID available, gnomAD 0.003%). This variant has not been reported in the literature in individuals affected with CDH1-related conditions. ClinVar contains an entry for this variant (Variation ID: 483230). An algorithm developed to predict the effect of missense changes on protein structure and function (PolyPhen-2) suggests that this variant is likely to be tolerated. In summary, the available evidence is currently insufficient to determine the role of this variant in disease. Therefore, it has been classified as a Variant of Uncertain Significance.

Baylor Genetics
Classification: Uncertain significance for Familial cancer of breast. Last evaluated: 2023-11-28. Review status: criteria provided, single submitter. Criteria: ACMG Guidelines, 2015. Collection method: clinical testing. Allele origin: unknown.

NM_004360.5(CDH1):c.1991A>G (p.Lys664Arg)

Gene: CDH1 (cadherin 1; plus strand). Cytogenetic location: 16q22.1.
Variant type: single nucleotide variant.
Coding change: c.1991A>G on transcript NM_004360.5 (MANE Select); coding-DNA position 1991, A replaced by G.
Protein change: p.Lys664Arg; replaces lysine 664 with arginine.
Molecular consequence: missense variant.
Genome position (GRCh38, 1-based): chr16:68,823,453, A>G. VCF-style: chr16-68823453-A-G. GRCh37 (hg19) VCF-style: chr16-68857356-A-G.
Other names: c.1808A>G, p.Lys603Arg (NM_001317184.2); c.443A>G, p.Lys148Arg (NM_001317185.2); c.26A>G, p.Lys9Arg (NM_001317186.2); c.1991A>G (LRG_301t1); short protein forms K664R, K9R, K148R, K603R.
Identifiers: ClinVar variation 483230 (VCV000483230.15), dbSNP rs1436479908, ClinGen allele CA396467617.